The following is an entry in ClinVar:

ClinVar aggregate classification (germline): Uncertain significance. Review status: criteria provided, multiple submitters, no conflicts (2 of 4 stars). 2 submissions from 2 submitters: Uncertain significance (2). Last evaluated 2024-03-29.

Conditions:
Cardiovascular phenotype. Identifiers: MedGen CN230736.
Hereditary cancer-predisposing syndrome. Also called: Hereditary Cancer Syndrome; Hereditary neoplastic syndrome; Neoplastic Syndromes, Hereditary; Tumor predisposition. Identifiers: Orphanet 140162, MedGen C0027672, MeSH D009386, MONDO:0015356.

Allele frequency attached by ClinVar (database versions not stated): gnomAD exomes below 0.00001; TOPMed below 0.00001; ExAC 0.00002.

Submissions (2):

Labcorp Genetics (formerly Invitae), Labcorp
Classification: Uncertain significance. Last evaluated: 2024-03-29. Review status: criteria provided, single submitter. Criteria: Invitae Variant Classification Sherloc (09022015). Collection method: clinical testing. Allele origin: germline.
Comment: This sequence change falls in intron 13 of the LZTR1 gene. It does not directly change the encoded amino acid sequence of the LZTR1 protein. It affects a nucleotide within the consensus splice site. The frequency data for this variant in the population databases is considered unreliable, as metrics indicate poor data quality at this position in the gnomAD database. This variant has not been reported in the literature in individuals affected with LZTR1-related conditions. ClinVar contains an entry for this variant (Variation ID: 1772930). Variants that disrupt the consensus splice site are a relatively common cause of aberrant splicing (PMID: 17576681, 9536098). Algorithms developed to predict the effect of sequence changes on RNA splicing suggest that this variant is not likely to affect RNA splicing. In summary, the available evidence is currently insufficient to determine the role of this variant in disease. Therefore, it has been classified as a Variant of Uncertain Significance.

Ambry Genetics
Classification: Uncertain significance for Cardiovascular phenotype; Hereditary cancer-predisposing syndrome. Last evaluated: 2021-09-16. Review status: criteria provided, single submitter. Criteria: Ambry Variant Classification Scheme 2023. Collection method: clinical testing. Allele origin: germline.
Comment: The c.1450-3C>T intronic variant results from a C to T substitution 3 nucleotides upstream from coding exon 14 in the LZTR1 gene. This nucleotide position is well conserved in available vertebrate species. In silico splice site analysis predicts that this alteration will not have any significant effect on splicing. Since supporting evidence is limited at this time, the clinical significance of this alteration remains unclear.

Literature cited by the submitters: PubMed 17576681 (cited by Labcorp Genetics (formerly Invitae), Labcorp); PubMed 9536098 (cited by Labcorp Genetics (formerly Invitae), Labcorp).

NM_006767.4(LZTR1):c.1450-3C>T

Gene: LZTR1 (leucine zipper like post translational regulator 1; plus strand). Cytogenetic location: 22q11.21.
Variant type: single nucleotide variant.
Coding change: c.1450-3C>T on transcript NM_006767.4 (MANE Select); 3 bases into the intron before coding-DNA position 1450, C replaced by T.
Molecular consequence: intron variant.
Genome position (GRCh38, 1-based): chr22:20,994,101, C>T. VCF-style: chr22-20994101-C-T. GRCh37 (hg19) VCF-style: chr22-21348390-C-T.
Identifiers: ClinVar variation 1772930 (VCV001772930.7), dbSNP rs765227550, ClinGen allele CA10118904.